The following is an entry in ClinVar:

ClinVar aggregate classification (germline): Uncertain significance (1 of 4 stars; one submission).

Submission:

GeneDx
Classification: Uncertain significance. Last evaluated: 2023-04-02. Review status: criteria provided, single submitter. Criteria: GeneDx Variant Classification Process June 2021. Collection method: clinical testing. Allele origin: germline. Affected: yes.
Comment: Not observed at significant frequency in large population cohorts (gnomAD); In silico analysis supports that this missense variant has a deleterious effect on protein structure/function; Has not been previously published as pathogenic or benign to our knowledge

NM_012062.5(DNM1L):c.1885C>G (p.Pro629Ala)

Gene: DNM1L (dynamin 1 like; plus strand). Cytogenetic location: 12p11.21.
Variant type: single nucleotide variant.
Coding change: c.1885C>G on transcript NM_012062.5 (MANE Select); coding-DNA position 1885, C replaced by G.
Protein change: p.Pro629Ala; replaces proline 629 with alanine.
Molecular consequence: missense variant.
Genome position (GRCh38, 1-based): chr12:32,740,409, C>G. VCF-style: chr12-32740409-C-G. GRCh37 (hg19) VCF-style: chr12-32893343-C-G.
Other names: c.1852C>G, p.Pro618Ala (NM_001278463.2); c.1924C>G, p.Pro642Ala (NM_001278464.2); c.1891C>G, p.Pro631Ala (NM_001278465.2); c.1276C>G, p.Pro426Ala (NM_001278466.2); c.1813C>G, p.Pro605Ala (NM_001330380.2); c.1774C>G, p.Pro592Ala (NM_005690.5); c.1807C>G, p.Pro603Ala (NM_012063.4); short protein forms P426A, P592A, P603A, P605A, P618A, P629A, P631A, P642A.
Identifiers: ClinVar variation 2582095 (VCV002582095.1), dbSNP rs2541123479, ClinGen allele CA384363736.
Genomic context (GRCh38, chr12:32,740,409, plus strand): 5'-GTTAAAGCTGCCATTTTAGTGTCACAAAAGTAATATTTTTTCCCCCTCATCCCTATTTAG[C>G]CAGTTCCTGTTGCACGAAAACTATCTGCTCGGGAACAGCGAGATTGTGAGGTTATTGAAC-3'
Protein context (NP_036192.2, residues 619-639): KGHAVNLLDV[Pro629Ala]VPVARKLSAR